The following is an entry in ClinVar:

ClinVar aggregate classification (germline): Uncertain significance (1 of 4 stars; one submission).

Conditions:
Diffuse cerebral and cerebellar atrophy - intractable seizures - progressive microcephaly syndrome. Also called: Microcephaly, progressive, with seizures and cerebral and cerebellar atrophy. Identifiers: Orphanet 404437, MedGen C4014239, MONDO:0014335, OMIM 615760.

Allele frequency attached by ClinVar (database versions not stated): TOPMed below 0.00001; gnomAD 0.00001.
gnomAD v4.1: 5 of 1,612,636 alleles (0.00031%); highest among the groups gnomAD compares: Non-Finnish European, 0.00042%; no homozygotes.

Submission:

Labcorp Genetics (formerly Invitae), Labcorp
Classification: Uncertain significance for Diffuse cerebral and cerebellar atrophy - intractable seizures - progressive microcephaly syndrome. Last evaluated: 2020-09-03. Review status: criteria provided, single submitter. Criteria: Invitae Variant Classification Sherloc (09022015). Collection method: clinical testing. Allele origin: germline.
Comment: This sequence change replaces serine with asparagine at codon 12 of the QARS protein (p.Ser12Asn). The serine residue is weakly conserved and there is a small physicochemical difference between serine and asparagine. This variant is not present in population databases (ExAC no frequency). This variant has not been reported in the literature in individuals with QARS-related conditions. Algorithms developed to predict the effect of missense changes on protein structure and function (SIFT, PolyPhen-2, Align-GVGD) all suggest that this variant is likely to be tolerated, but these predictions have not been confirmed by published functional studies and their clinical significance is uncertain. In summary, the available evidence is currently insufficient to determine the role of this variant in disease. Therefore, it has been classified as a Variant of Uncertain Significance.

NM_005051.3(QARS1):c.35G>A (p.Ser12Asn)

Genes: QARS1 (glutaminyl-tRNA synthetase 1; minus strand), LOC129936736 (ATAC-STARR-seq lymphoblastoid active region 19853; plus strand). Cytogenetic location: 3p21.31.
Variant type: single nucleotide variant.
Coding change: c.35G>A on transcript NM_005051.3 (MANE Select); coding-DNA position 35, G replaced by A.
Protein change: p.Ser12Asn; replaces serine 12 with asparagine.
Molecular consequence: missense variant. On other transcripts: non-coding transcript variant (1).
Genome position (GRCh38, 1-based): chr3:49,104,699, C>T on the plus strand (G>A on the coding strand, the complement: QARS1 is on the minus strand). VCF-style: chr3-49104699-C-T. GRCh37 (hg19) VCF-style: chr3-49142132-C-T.
Other names: c.35G>A, p.Ser12Asn (NM_001272073.2); short protein forms S12N.
Identifiers: ClinVar variation 1024474 (VCV001024474.5), dbSNP rs1333683203, ClinGen allele CA352724172.